The following is an entry in ClinVar:

NM_021815.5(SLC5A7):c.1440A>G (p.Lys480=)

Gene: SLC5A7 (solute carrier family 5 member 7; plus strand). Cytogenetic location: 2q12.3.
Variant type: single nucleotide variant.
Coding change: c.1440A>G on transcript NM_021815.5 (MANE Select); coding-DNA position 1440, A replaced by G.
Protein change: p.Lys480=; no amino-acid change (lysine 480 retained).
Molecular consequence: synonymous variant.
Genome position (GRCh38, 1-based): chr2:108,010,558, A>G. VCF-style: chr2-108010558-A-G. GRCh37 (hg19) VCF-style: chr2-108627014-A-G.
Other names: c.1440A>G, p.Lys480= (NM_001305005.3); c.1125A>G, p.Lys375= (NM_001305006.3); c.699A>G, p.Lys233= (NM_001305007.3); c.1440A>G (NM_021815.4).
Identifiers: ClinVar variation 703759 (VCV000703759.15), dbSNP rs3731682, ClinGen allele CA1819177.
Genomic context (GRCh38, chr2:108,010,558, plus strand): 5'-CTTCTACCCTGGCTATTACCCTGATGATAATGGTATATATAATCAGAAATTTCCATTTAA[A>G]ACACTTGCCATGGTTACATCATTCTTAACCAACATTTGCATCTCCTATCTAGCCAAGTAT-3'
Protein context (NP_068587.1, residues 470-490): NGIYNQKFPF[Lys480=]TLAMVTSFLT

ClinVar aggregate classification (germline): Benign/Likely benign. Review status: criteria provided, multiple submitters, no conflicts (2 of 4 stars). 3 submissions from 3 submitters: Benign (1); Likely benign (1). 1 of the submissions does not count toward it. Last evaluated 2025-09-24.

Conditions:
SLC5A7-related disorder. Also called: SLC5A7-related condition.
Congenital myasthenic syndrome 20. Also called: Myasthenic syndrome, congenital, 20, presynaptic. Identifiers: MedGen C4310694, MONDO:0014939, OMIM 617143.
Neuronopathy, distal hereditary motor, type 7A. Also called: Neuronopathy, distal hereditary motor, type viia; HARPER-YOUNG MYOPATHY; HMN VIIA; NEURONOPATHY, DISTAL HEREDITARY MOTOR, HARDING TYPE VIIA; NEUROPATHY, DISTAL HEREDITARY MOTOR, HARDING TYPE VIIA; SPINAL MUSCULAR ATROPHY, DISTAL, WITH VOCAL CORD PARALYSIS. Identifiers: Orphanet 139589, MedGen C1834703, MONDO:0008024, OMIM 158580.

Allele frequency attached by ClinVar (database versions not stated): ESP Exome Variant Server 0.00008; gnomAD 0.00009 and 0.00010; gnomAD exomes 0.00010 and 0.00039; TOPMed 0.00018; 1000 Genomes Project 30x 0.00031; ExAC 0.00037; 1000 Genomes Project 0.00040.
gnomAD v4.1: 166 of 1,613,784 alleles (0.01%); highest among the groups gnomAD compares: East Asian, 0.35%; 1 homozygote.

Submissions (3):

Labcorp Genetics (formerly Invitae), Labcorp
Classification: Benign for Neuronopathy, distal hereditary motor, type 7A; Congenital myasthenic syndrome 20. Last evaluated: 2025-09-24. Review status: criteria provided, single submitter. Criteria: Invitae Variant Classification Sherloc (09022015). Collection method: clinical testing. Allele origin: germline.

Blueprint Genetics
Classification: Likely benign. Last evaluated: 2021-02-08. Review status: criteria provided, single submitter. Criteria: ACMG Guidelines, 2015. Collection method: clinical testing. Allele origin: germline.

PreventionGenetics, part of Exact Sciences
Classification: Likely benign for SLC5A7-related condition. Last evaluated: 2019-08-29. Review status: no assertion criteria provided. Collection method: clinical testing. Allele origin: germline. Not counted in ClinVar's aggregate classification.
Comment: This variant is classified as likely benign based on ACMG/AMP sequence variant interpretation guidelines (Richards et al. 2015 PMID: 25741868, with internal and published modifications).